The following is an entry in ClinVar:

NM_000440.3(PDE6A):c.231C>T (p.Cys77=)

Gene: PDE6A (phosphodiesterase 6A; minus strand). Cytogenetic location: 5q32.
Variant type: single nucleotide variant.
Coding change: c.231C>T on transcript NM_000440.3 (MANE Select); coding-DNA position 231, C replaced by T.
Protein change: p.Cys77=; no amino-acid change (cysteine 77 retained).
Molecular consequence: synonymous variant.
Genome position (GRCh38, 1-based): chr5:149,944,443, G>A on the plus strand (C>T on the coding strand, the complement: PDE6A is on the minus strand). VCF-style: chr5-149944443-G-A. GRCh37 (hg19) VCF-style: chr5-149324006-G-A.
Other names: c.231C>T (NM_000440.2); c.231C>T, p.Cys77= (NM_001410788.1).
Identifiers: ClinVar variation 2722449 (VCV002722449.5), dbSNP rs1157969334, ClinGen allele CA447401511.

ClinVar aggregate classification (germline): Likely benign. Review status: criteria provided, single submitter (1 of 4 stars). 2 submissions from 2 submitters: Likely benign (1). 1 of the submissions does not count toward it. Last evaluated 2025-01-27.

Conditions:
PDE6A-related disorder. Also called: PDE6A-related condition.

Allele frequency attached by ClinVar (database versions not stated): gnomAD exomes below 0.00001; gnomAD 0.00001; TOPMed below 0.00001.
gnomAD v4.1: 6 of 1,613,976 alleles (0.00037%); highest among the groups gnomAD compares: Non-Finnish European, 0.00051%; no homozygotes.

Submissions (2):

Labcorp Genetics (formerly Invitae), Labcorp
Classification: Likely benign. Last evaluated: 2025-01-27. Review status: criteria provided, single submitter. Criteria: Invitae Variant Classification Sherloc (09022015). Collection method: clinical testing. Allele origin: germline.

PreventionGenetics, part of Exact Sciences
Classification: Likely benign for PDE6A-related condition. Last evaluated: 2019-05-06. Review status: no assertion criteria provided. Collection method: clinical testing. Allele origin: germline. Not counted in ClinVar's aggregate classification.
Comment: This variant is classified as likely benign based on ACMG/AMP sequence variant interpretation guidelines (Richards et al. 2015 PMID: 25741868, with internal and published modifications).